The following is an entry in ClinVar:

ClinVar aggregate classification (germline): Uncertain significance (1 of 4 stars; one submission).

Conditions:
Kleefstra syndrome 1 (KLEFS1). Identifiers: Orphanet 261494, MedGen C0795833, MONDO:0027407, OMIM 610253.

Submission:

Labcorp Genetics (formerly Invitae), Labcorp
Classification: Uncertain significance for Kleefstra syndrome 1. Last evaluated: 2025-05-12. Review status: criteria provided, single submitter. Criteria: Invitae Variant Classification Sherloc (09022015). Collection method: clinical testing. Allele origin: germline.
Comment: This sequence change replaces aspartic acid, which is acidic and polar, with glutamic acid, which is acidic and polar, at codon 359 of the EHMT1 protein (p.Asp359Glu). This variant is not present in population databases (gnomAD no frequency). This variant has not been reported in the literature in individuals affected with EHMT1-related conditions. ClinVar contains an entry for this variant (Variation ID: 966158). An algorithm developed to predict the effect of missense changes on protein structure and function outputs the following: PolyPhen-2: "Benign". The glutamic acid amino acid residue is found in multiple mammalian species, which suggests that this missense change does not adversely affect protein function. In summary, the available evidence is currently insufficient to determine the role of this variant in disease. Therefore, it has been classified as a Variant of Uncertain Significance.

NM_024757.5(EHMT1):c.1077C>G (p.Asp359Glu)

Gene: EHMT1 (euchromatic histone lysine methyltransferase 1; plus strand). Cytogenetic location: 9q34.3.
Variant type: single nucleotide variant.
Coding change: c.1077C>G on transcript NM_024757.5 (MANE Select); coding-DNA position 1077, C replaced by G.
Protein change: p.Asp359Glu; replaces aspartic acid 359 with glutamic acid.
Molecular consequence: missense variant.
Genome position (GRCh38, 1-based): chr9:137,743,997, C>G. VCF-style: chr9-137743997-C-G. GRCh37 (hg19) VCF-style: chr9-140638449-C-G.
Other names: c.1077C>G, p.Asp359Glu (NM_001145527.2, NM_001354611.2); c.984C>G, p.Asp328Glu (NM_001354259.2, NM_001354612.2); c.1056C>G, p.Asp352Glu (NM_001354263.2); short protein forms D328E, D352E, D359E.
Identifiers: ClinVar variation 966158 (VCV000966158.10), dbSNP rs189753830, ClinGen allele CA375779502.
Genomic context (GRCh38, chr9:137,743,997, plus strand): 5'-GAATGGGGAGAGCCTGGAGATGGACTCGGATGAGGACGACTCAGAGGAGCTCGAGGAGGA[C>G]GACGGCCATGGTGCAGAGCAGGCGGCCGCGTTCCCCACAGAGGACAGCAGGACTTCCAAG-3'
Protein context (NP_079033.4, residues 349-369): DEDDSEELEE[Asp359Glu]DGHGAEQAAA